The following is an entry in ClinVar:

ClinVar aggregate classification (germline): Benign (0 of 4 stars; one submission).

Conditions:
FOXD3-related disorder. Also called: FOXD3-related condition.

Allele frequency attached by ClinVar (database versions not stated): ESP Exome Variant Server 0.01169; gnomAD exomes 0.01511; TOPMed 0.02540; gnomAD 0.02738; ExAC 0.06844; 1000 Genomes Project 30x 0.07136; 1000 Genomes Project 0.07169.
gnomAD v4.1: 22,604 of 1,344,330 alleles (1.7%); highest among the groups gnomAD compares: South Asian, 13%; 863 homozygotes.

Submission:

PreventionGenetics, part of Exact Sciences
Classification: Benign for FOXD3-related condition. Last evaluated: 2019-12-05. Review status: no assertion criteria provided. Collection method: clinical testing. Allele origin: germline.
Comment: This variant is classified as benign based on ACMG/AMP sequence variant interpretation guidelines (Richards et al. 2015 PMID: 25741868, with internal and published modifications).

NM_012183.3(FOXD3):c.286G>T (p.Val96Leu)

Genes: FOXD3 (forkhead box D3; plus strand), FOXD3-AS1 (FOXD3 antisense RNA 1; minus strand). Cytogenetic location: 1p31.3.
Variant type: single nucleotide variant.
Coding change: c.286G>T on transcript NM_012183.3 (MANE Select); coding-DNA position 286, G replaced by T.
Protein change: p.Val96Leu; replaces valine 96 with leucine.
Molecular consequence: missense variant.
Genome position (GRCh38, 1-based): chr1:63,323,344, G>T. VCF-style: chr1-63323344-G-T. GRCh37 (hg19) VCF-style: chr1-63789015-G-T.
Other names: short protein forms V96L.
Identifiers: ClinVar variation 3037447 (VCV003037447.2), dbSNP rs2274188, ClinGen allele CA887849.